The following is an entry in ClinVar:

ClinVar aggregate classification (germline): Uncertain significance (1 of 4 stars; one submission).

Conditions:
Cardiovascular phenotype. Identifiers: MedGen CN230736.

Submission:

Ambry Genetics
Classification: Uncertain significance for Cardiovascular phenotype. Last evaluated: 2022-01-03. Review status: criteria provided, single submitter. Criteria: Ambry Variant Classification Scheme 2023. Collection method: clinical testing. Allele origin: germline.
Comment: The p.L1401Q variant (also known as c.4202T>A), located in coding exon 2 of the ZNF469 gene, results from a T to A substitution at nucleotide position 4202. The leucine at codon 1401 is replaced by glutamine, an amino acid with dissimilar properties. This amino acid position is conserved. In addition, this alteration is predicted to be tolerated by in silico analysis. Since supporting evidence is limited at this time, the clinical significance of this alteration remains unclear.

NM_001367624.2(ZNF469):c.4286T>A (p.Leu1429Gln)

Gene: ZNF469 (zinc finger protein 469; plus strand). Cytogenetic location: 16q24.2.
Variant type: single nucleotide variant.
Coding change: c.4286T>A on transcript NM_001367624.2 (MANE Select); coding-DNA position 4286, T replaced by A.
Protein change: p.Leu1429Gln; replaces leucine 1429 with glutamine.
Molecular consequence: missense variant.
Genome position (GRCh38, 1-based): chr16:88,431,756, T>A. VCF-style: chr16-88431756-T-A. GRCh37 (hg19) VCF-style: chr16-88498164-T-A.
Other names: NM_001127464.1:c.4202T>A; short protein forms L1429Q.
Identifiers: ClinVar variation 1738670 (VCV001738670.2), dbSNP rs62047114, ClinGen allele CA397090834.